The following is an entry in ClinVar:

ClinVar aggregate classification (germline): Pathogenic/Likely pathogenic. Review status: criteria provided, multiple submitters, no conflicts (2 of 4 stars). 4 submissions from 4 submitters: Pathogenic (3); Likely pathogenic (1). Last evaluated 2025-10-18.

Conditions:
Inborn genetic diseases. Identifiers: MedGen C0950123, MeSH D030342.
Vici syndrome (VICIS). Identifiers: Orphanet 1493, MedGen C1855772, MONDO:0009452, OMIM 242840.

Allele frequency attached by ClinVar (database versions not stated): gnomAD exomes below 0.00001; ExAC 0.00001; gnomAD 0.00005; TOPMed 0.00010; 1000 Genomes Project 0.00020; 1000 Genomes Project 30x 0.00031.
gnomAD v4.1: 11 of 1,614,012 alleles (0.00068%); highest among the groups gnomAD compares: Admixed American, 0.017%; no homozygotes.

Submissions (4):

Labcorp Genetics (formerly Invitae), Labcorp
Classification: Pathogenic for Vici syndrome. Last evaluated: 2025-10-18. Review status: criteria provided, single submitter. Criteria: Invitae Variant Classification Sherloc (09022015). Collection method: clinical testing. Allele origin: germline.
Comment: This sequence change creates a premature translational stop signal (p.Leu88*) in the EPG5 gene. It is expected to result in an absent or disrupted protein product. Loss-of-function variants in EPG5 are known to be pathogenic (PMID: 23222957, 23674064). This variant is present in population databases (rs183478189, gnomAD no frequency). This variant has not been reported in the literature in individuals affected with EPG5-related conditions. ClinVar contains an entry for this variant (Variation ID: 620301). For these reasons, this variant has been classified as Pathogenic.

GeneDx
Classification: Pathogenic. Last evaluated: 2025-10-13. Review status: criteria provided, single submitter. Criteria: GeneDx Variant Classification Process June 2021. Collection method: clinical testing. Allele origin: germline. Affected: yes.
Comment: Nonsense variant predicted to result in protein truncation or nonsense mediated decay in a gene for which loss of function is a known mechanism of disease; Not observed at significant frequency in large population cohorts (gnomAD); Has not been previously published as pathogenic or benign to our knowledge

Fulgent Genetics
Classification: Likely pathogenic for Vici syndrome. Last evaluated: 2024-06-17. Review status: criteria provided, single submitter. Criteria: ACMG Guidelines, 2015. Collection method: clinical testing. Allele origin: germline.

Ambry Genetics
Classification: Pathogenic for Inborn genetic diseases. Last evaluated: 2022-06-03. Review status: criteria provided, single submitter. Criteria: Ambry Variant Classification Scheme 2023. Collection method: clinical testing. Allele origin: germline.
Comment: The c.263T>G (p.L88*) alteration, located in exon 2 (coding exon 2) of the EPG5 gene, consists of a T to G substitution at nucleotide position 263. This changes the amino acid from a leucine (L) to a stop codon at amino acid position 88. This alteration is expected to result in loss of function by premature protein truncation or nonsense-mediated mRNA decay. This variant was not reported in population-based cohorts in the Genome Aggregation Database (gnomAD). Based on the available evidence, this alteration is classified as pathogenic.

Literature cited by the submitters: PubMed 23222957 (cited by Labcorp Genetics (formerly Invitae), Labcorp); PubMed 23674064 (cited by Labcorp Genetics (formerly Invitae), Labcorp).

NM_020964.3(EPG5):c.263T>G (p.Leu88Ter)

Gene: EPG5 (ectopic P-granules 5 autophagy tethering factor; minus strand). Cytogenetic location: 18q21.1.
Variant type: single nucleotide variant.
Coding change: c.263T>G on transcript NM_020964.3 (MANE Select); coding-DNA position 263, T replaced by G.
Protein change: p.Leu88Ter; replaces leucine 88 with a stop codon.
Molecular consequence: nonsense.
Genome position (GRCh38, 1-based): chr18:45,955,139, A>C on the plus strand (T>G on the coding strand, the complement: EPG5 is on the minus strand). VCF-style: chr18-45955139-A-C. GRCh37 (hg19) VCF-style: chr18-43535105-A-C.
Other names: c.263T>G, p.Leu88Ter (LRG_1234t1); short protein forms L88*.
Identifiers: ClinVar variation 620301 (VCV000620301.13), dbSNP rs183478189, ClinGen allele CA8949984.